The following is an entry in ClinVar:

ClinVar aggregate classification (germline): Uncertain significance (1 of 4 stars; one submission).

Allele frequency attached by ClinVar (database versions not stated): gnomAD exomes 0.00001.
gnomAD v4.1: 17 of 1,613,326 alleles (0.0011%); highest among the groups gnomAD compares: Non-Finnish European, 0.0014%; no homozygotes.

Submission:

Labcorp Genetics (formerly Invitae), Labcorp
Classification: Uncertain significance. Last evaluated: 2024-10-21. Review status: criteria provided, single submitter. Criteria: Invitae Variant Classification Sherloc (09022015). Collection method: clinical testing. Allele origin: germline.
Comment: This sequence change replaces serine, which is neutral and polar, with arginine, which is basic and polar, at codon 194 of the NBAS protein (p.Ser194Arg). This variant is present in population databases (no rsID available, gnomAD 0.0009%). This variant has not been reported in the literature in individuals affected with NBAS-related conditions. ClinVar contains an entry for this variant (Variation ID: 2111266). Invitae Evidence Modeling of protein sequence and biophysical properties (such as structural, functional, and spatial information, amino acid conservation, physicochemical variation, residue mobility, and thermodynamic stability) indicates that this missense variant is not expected to disrupt NBAS protein function with a negative predictive value of 95%. In summary, the available evidence is currently insufficient to determine the role of this variant in disease. Therefore, it has been classified as a Variant of Uncertain Significance.

NM_015909.4(NBAS):c.580A>C (p.Ser194Arg)

Gene: NBAS (NBAS subunit of NRZ tethering complex; minus strand). Cytogenetic location: 2p24.3.
Variant type: single nucleotide variant.
Coding change: c.580A>C on transcript NM_015909.4 (MANE Select); coding-DNA position 580, A replaced by C.
Protein change: p.Ser194Arg; replaces serine 194 with arginine.
Molecular consequence: missense variant. On other transcripts: non-coding transcript variant (1).
Genome position (GRCh38, 1-based): chr2:15,536,485, T>G on the plus strand (A>C on the coding strand, the complement: NBAS is on the minus strand). VCF-style: chr2-15536485-T-G. GRCh37 (hg19) VCF-style: chr2-15676609-T-G.
Other names: short protein forms S194R.
Identifiers: ClinVar variation 2111266 (VCV002111266.4), dbSNP rs1273015830, ClinGen allele CA345886210.